The following is an entry in ClinVar:

NM_000051.4(ATM):c.2284C>G (p.Leu762Val)

Gene: ATM (ATM serine/threonine kinase; plus strand). Cytogenetic location: 11q22.3.
Variant type: single nucleotide variant.
Coding change: c.2284C>G on transcript NM_000051.4 (MANE Select); coding-DNA position 2284, C replaced by G.
Protein change: p.Leu762Val; replaces leucine 762 with valine.
Molecular consequence: missense variant.
Genome position (GRCh38, 1-based): chr11:108,257,514, C>G. VCF-style: chr11-108257514-C-G. GRCh37 (hg19) VCF-style: chr11-108128241-C-G.
Other names: c.2284C>G, p.Leu762Val (NM_001351834.2); short protein forms L762V.
Identifiers: ClinVar variation 407700 (VCV000407700.27), dbSNP rs876659401, ClinGen allele CA16613088.

ClinVar aggregate classification (germline): Uncertain significance. Review status: criteria provided, multiple submitters, no conflicts (2 of 4 stars). 7 submissions from 7 submitters: Uncertain significance (6). 1 of the submissions does not count toward it. Last evaluated 2026-02-01.

Conditions:
Hereditary cancer-predisposing syndrome. Also called: Tumor predisposition; Hereditary neoplastic syndrome; Hereditary Cancer Syndrome; Neoplastic Syndromes, Hereditary. Identifiers: Orphanet 140162, MedGen C0027672, MeSH D009386, MONDO:0015356.
Ataxia-telangiectasia syndrome (AT). Also called: LOUIS-BAR SYNDROME; Ataxia-telangiectasia, complementation group E; Ataxia telangiectasia (A-T); Cerebello-oculocutaneous telangiectasia; Immunodeficiency with ataxia telangiectasia; Ataxia-telangiectasia, complementation group D. Identifiers: Orphanet 100, MedGen C0004135, MONDO:0008840, OMIM 208900.
Familial cancer of breast. Also called: hereditary breast carcinoma; BREAST CANCER, FAMILIAL; Hereditary breast cancer. Identifiers: Orphanet 227535, MedGen C0346153, MONDO:0016419, OMIM 114480. Disease mechanism: loss of function.

Allele frequency attached by ClinVar (database versions not stated): gnomAD exomes below 0.00001; TOPMed below 0.00001; gnomAD 0.00001.
gnomAD v4.1: 3 of 1,613,514 alleles (0.00019%); highest among the groups gnomAD compares: African/African-American, 0.0013%; no homozygotes.

Submissions (7):

CeGaT Center for Human Genetics Tuebingen
Classification: Uncertain significance. Last evaluated: 2026-02-01. Review status: criteria provided, single submitter. Criteria: CeGaT Center For Human Genetics Tuebingen Variant Classification Criteria Version 2. Collection method: clinical testing. Allele origin: germline. Affected: yes. Observed: 1 variant allele.
Comment: ATM: PM2, BP4

Ambry Genetics
Classification: Uncertain significance for Hereditary cancer-predisposing syndrome. Last evaluated: 2025-12-02. Review status: criteria provided, single submitter. Criteria: Ambry Variant Classification Scheme 2023. Collection method: clinical testing. Allele origin: germline.
Comment: The p.L762V variant (also known as c.2284C>G), located in coding exon 14 of the ATM gene, results from a C to G substitution at nucleotide position 2284. The leucine at codon 762 is replaced by valine, an amino acid with highly similar properties. This amino acid position is not well conserved in available vertebrate species. In addition, this alteration is predicted to be tolerated by in silico analysis. Since supporting evidence is limited at this time, the clinical significance of this alteration remains unclear.

GeneDx
Classification: Uncertain significance. Last evaluated: 2024-05-30. Review status: criteria provided, single submitter. Criteria: GeneDx Variant Classification Process June 2021. Collection method: clinical testing. Allele origin: germline. Affected: yes.
Comment: Not observed at significant frequency in large population cohorts (gnomAD); In silico analysis indicates that this missense variant does not alter protein structure/function; Has not been previously published as pathogenic or benign to our knowledge

Fulgent Genetics
Classification: Uncertain significance for Familial cancer of breast; Ataxia-telangiectasia syndrome. Last evaluated: 2024-05-01. Review status: criteria provided, single submitter. Criteria: ACMG Guidelines, 2015. Collection method: clinical testing. Allele origin: germline.

Labcorp Genetics (formerly Invitae), Labcorp
Classification: Uncertain significance for Ataxia-telangiectasia syndrome. Last evaluated: 2022-11-01. Review status: criteria provided, single submitter. Criteria: Invitae Variant Classification Sherloc (09022015). Collection method: clinical testing. Allele origin: germline.
Comment: This sequence change replaces leucine, which is neutral and non-polar, with valine, which is neutral and non-polar, at codon 762 of the ATM protein (p.Leu762Val). This variant is not present in population databases (gnomAD no frequency). This variant has not been reported in the literature in individuals affected with ATM-related conditions. ClinVar contains an entry for this variant (Variation ID: 407700). Algorithms developed to predict the effect of missense changes on protein structure and function output the following: SIFT: "Tolerated"; PolyPhen-2: "Benign"; Align-GVGD: "Class C0". The valine amino acid residue is found in multiple mammalian species, which suggests that this missense change does not adversely affect protein function. In summary, the available evidence is currently insufficient to determine the role of this variant in disease. Therefore, it has been classified as a Variant of Uncertain Significance.

Color Diagnostics, LLC DBA Color Health
Classification: Uncertain significance for Hereditary cancer-predisposing syndrome. Last evaluated: 2021-06-28. Review status: criteria provided, single submitter. Criteria: ACMG Guidelines, 2015. Collection method: clinical testing. Allele origin: germline.
Comment: This missense variant replaces leucine with valine at codon 762 of the ATM protein. Computational prediction suggests that this variant may not impact protein structure and function (internally defined REVEL score threshold <= 0.5, PMID: 27666373). To our knowledge, functional studies have not been reported for this variant. This variant has not been reported in individuals affected with hereditary cancer in the literature. This variant has not been identified in the general population by the Genome Aggregation Database (gnomAD). The available evidence is insufficient to determine the role of this variant in disease conclusively. Therefore, this variant is classified as a Variant of Uncertain Significance.

Natera, Inc.
Classification: Uncertain significance for Ataxia-telangiectasia. Last evaluated: 2020-02-26. Review status: no assertion criteria provided. Collection method: clinical testing. Allele origin: germline. Not counted in ClinVar's aggregate classification.